The following is an entry in ClinVar:

ClinVar aggregate classification (germline): Uncertain significance (1 of 4 stars; one submission).

gnomAD v4.1: 4 of 1,614,150 alleles (0.00025%); highest among the groups gnomAD compares: Non-Finnish European, 0.00017%; no homozygotes.

Submission:

Labcorp Genetics (formerly Invitae), Labcorp
Classification: Uncertain significance. Last evaluated: 2024-10-16. Review status: criteria provided, single submitter. Criteria: Invitae Variant Classification Sherloc (09022015). Collection method: clinical testing. Allele origin: germline.
Comment: This sequence change affects codon 12 of the KLF10 mRNA. It is a 'silent' change, meaning that it does not change the encoded amino acid sequence of the KLF10 protein. This variant also falls at the last nucleotide of exon 1, which is part of the consensus splice site for this exon. This variant is not present in population databases (gnomAD no frequency). This variant has not been reported in the literature in individuals affected with KLF10-related conditions. Variants that disrupt the consensus splice site are a relatively common cause of aberrant splicing (PMID: 17576681, 9536098). Algorithms developed to predict the effect of sequence changes on RNA splicing suggest that this variant is not likely to affect RNA splicing. In summary, the available evidence is currently insufficient to determine the role of this variant in disease. Therefore, it has been classified as a Variant of Uncertain Significance.

Literature cited by the submitters: PubMed 17576681; PubMed 9536098.

NM_005655.4(KLF10):c.36G>A (p.Ala12=)

Gene: KLF10 (KLF transcription factor 10; minus strand). Cytogenetic location: 8q22.3.
Variant type: single nucleotide variant.
Coding change: c.36G>A on transcript NM_005655.4 (MANE Select); coding-DNA position 36, G replaced by A.
Protein change: p.Ala12=; no amino-acid change (alanine 12 retained).
Molecular consequence: synonymous variant.
Genome position (GRCh38, 1-based): chr8:102,655,566, C>T on the plus strand (G>A on the coding strand, the complement: KLF10 is on the minus strand). VCF-style: chr8-102655566-C-T. GRCh37 (hg19) VCF-style: chr8-103667794-C-T.
Identifiers: ClinVar variation 3702963 (VCV003702963.2).
Genomic context (GRCh38, chr8:102,655,566, plus strand): 5'-CCTTTGGCCCCCCAGACAAGACCAGGCGAGGAAGCACAGGGGCATCCCCAAATGACTTAC[C>T]GCAGTCTGCTGGAGAGAGGCACCGAAGTTGAGCATGGTTGGCTGCTTGGCCGCCGGCGGC-3'
Protein context (NP_005646.1, residues 2-22): LNFGASLQQT[Ala12=]EERMEMISER